The following is an entry in ClinVar:

ClinVar aggregate classification (germline): Likely benign. Review status: criteria provided, multiple submitters, no conflicts (2 of 4 stars). 2 submissions from 2 submitters: Likely benign (2). Last evaluated 2025-07-30.

Allele frequency attached by ClinVar (database versions not stated): ExAC 0.00004; TOPMed 0.00005; gnomAD 0.00006.
gnomAD v4.1: 283 of 1,613,600 alleles (0.018%); highest among the groups gnomAD compares: Non-Finnish European, 0.023%; no homozygotes.

Submissions (2):

Labcorp Genetics (formerly Invitae), Labcorp
Classification: Likely benign. Last evaluated: 2025-07-30. Review status: criteria provided, single submitter. Criteria: Invitae Variant Classification Sherloc (09022015). Collection method: clinical testing. Allele origin: germline.

CeGaT Center for Human Genetics Tuebingen
Classification: Likely benign. Last evaluated: 2024-08-01. Review status: criteria provided, single submitter. Criteria: CeGaT Center For Human Genetics Tuebingen Variant Classification Criteria Version 2. Collection method: clinical testing. Allele origin: germline. Affected: yes. Observed: 1 variant allele.
Comment: TRRAP: BP4, BP7

NM_001375524.1(TRRAP):c.9573G>A (p.Ser3191=)

Gene: TRRAP (transformation/transcription domain associated protein; plus strand). Cytogenetic location: 7q22.1.
Variant type: single nucleotide variant.
Coding change: c.9573G>A on transcript NM_001375524.1 (MANE Select); coding-DNA position 9573, G replaced by A.
Protein change: p.Ser3191=; no amino-acid change (serine 3191 retained).
Molecular consequence: synonymous variant.
Genome position (GRCh38, 1-based): chr7:98,988,948, G>A. VCF-style: chr7-98988948-G-A. GRCh37 (hg19) VCF-style: chr7-98586571-G-A.
Other names: c.9585G>A, p.Ser3195= (NM_001244580.2); c.9498G>A, p.Ser3166= (NM_003496.4).
Identifiers: ClinVar variation 2079507 (VCV002079507.20), dbSNP rs756364024, ClinGen allele CA4361740.